The following is an entry in ClinVar:

ClinVar aggregate classification (germline): Conflicting classifications of pathogenicity. Review status: criteria provided, conflicting classifications (1 of 4 stars). 4 submissions from 4 submitters: Uncertain significance (3); Likely benign (1). Last evaluated 2025-03-18.

Conditions:
Inborn genetic diseases. Identifiers: MedGen C0950123, MeSH D030342.
Bethlem myopathy 1A. Also called: Bethlem Muscular Dystrophy; MYOPATHY, BENIGN CONGENITAL, WITH CONTRACTURES; Bethlem myopathy 1. Identifiers: Orphanet 610, MedGen CN029274, MONDO:0024530, OMIM 158810.

Allele frequency attached by ClinVar (database versions not stated): ExAC 0.00001; gnomAD exomes 0.00002 and 0.00003; TOPMed 0.00002; gnomAD 0.00004; ESP Exome Variant Server 0.00008.
gnomAD v4.1: 44 of 1,614,006 alleles (0.0027%); highest among the groups gnomAD compares: Non-Finnish European, 0.0034%; no homozygotes.

Submissions (4):

Revvity Omics, Revvity
Classification: Uncertain significance. Last evaluated: 2025-03-18. Review status: criteria provided, single submitter. Criteria: ACMG Guidelines, 2015. Collection method: clinical testing. Allele origin: germline.

Labcorp Genetics (formerly Invitae), Labcorp
Classification: Likely benign for Bethlem myopathy 1A. Last evaluated: 2025-02-05. Review status: criteria provided, single submitter. Criteria: Invitae Variant Classification Sherloc (09022015). Collection method: clinical testing. Allele origin: germline.

Ambry Genetics
Classification: Uncertain significance for Inborn genetic diseases. Last evaluated: 2024-07-02. Review status: criteria provided, single submitter. Criteria: Ambry Variant Classification Scheme 2023. Collection method: clinical testing. Allele origin: germline.

GeneDx
Classification: Uncertain significance. Last evaluated: 2019-12-05. Review status: criteria provided, single submitter. Criteria: GeneDx Variant Classification Process June 2021. Collection method: clinical testing. Allele origin: germline. Affected: yes.
Comment: In silico analysis, which includes protein predictors and evolutionary conservation, supports that this variant does not alter protein structure/function; Has not been previously published as pathogenic or benign to our knowledge

NM_004369.4(COL6A3):c.254G>A (p.Gly85Glu)

Gene: COL6A3 (collagen type VI alpha 3 chain; minus strand). Cytogenetic location: 2q37.3.
Variant type: single nucleotide variant.
Coding change: c.254G>A on transcript NM_004369.4 (MANE Select); coding-DNA position 254, G replaced by A.
Protein change: p.Gly85Glu; replaces glycine 85 with glutamic acid.
Molecular consequence: missense variant. On other transcripts: intron variant (4).
Genome position (GRCh38, 1-based): chr2:237,395,042, C>T on the plus strand (G>A on the coding strand, the complement: COL6A3 is on the minus strand). VCF-style: chr2-237395042-C-T. GRCh37 (hg19) VCF-style: chr2-238303685-C-T.
Other names: c.91+1685G>A (NM_057166.5, NM_057167.4, NM_057164.5 and 1 more transcripts); short protein forms G85E.
Identifiers: ClinVar variation 945363 (VCV000945363.13), dbSNP rs369814614, ClinGen allele CA2189906.